The following is an entry in ClinVar:

NM_006059.4(LAMC3):c.3872G>A (p.Arg1291Gln)

Gene: LAMC3 (laminin subunit gamma 3; plus strand). Cytogenetic location: 9q34.12.
Variant type: single nucleotide variant.
Coding change: c.3872G>A on transcript NM_006059.4 (MANE Select); coding-DNA position 3872, G replaced by A.
Protein change: p.Arg1291Gln; replaces arginine 1291 with glutamine.
Molecular consequence: missense variant.
Genome position (GRCh38, 1-based): chr9:131,079,243, G>A. VCF-style: chr9-131079243-G-A. GRCh37 (hg19) VCF-style: chr9-133954630-G-A.
Other names: short protein forms R1291Q.
Identifiers: ClinVar variation 1391901 (VCV001391901.5), dbSNP rs189693390, ClinGen allele CA5287968.

ClinVar aggregate classification (germline): Uncertain significance (1 of 4 stars; one submission).

Allele frequency attached by ClinVar (database versions not stated): TOPMed below 0.00001; gnomAD 0.00001 and 0.00002; ExAC 0.00002; gnomAD exomes 0.00002 and 0.00003; 1000 Genomes Project 30x 0.00016; 1000 Genomes Project 0.00020.

Submission:

Labcorp Genetics (formerly Invitae), Labcorp
Classification: Uncertain significance. Last evaluated: 2022-08-25. Review status: criteria provided, single submitter. Criteria: Invitae Variant Classification Sherloc (09022015). Collection method: clinical testing. Allele origin: germline.
Comment: This sequence change replaces arginine, which is basic and polar, with glutamine, which is neutral and polar, at codon 1291 of the LAMC3 protein (p.Arg1291Gln). This variant is present in population databases (rs189693390, gnomAD 0.006%). This variant has not been reported in the literature in individuals affected with LAMC3-related conditions. ClinVar contains an entry for this variant (Variation ID: 1391901). Algorithms developed to predict the effect of missense changes on protein structure and function output the following: SIFT: "Tolerated"; PolyPhen-2: "Benign"; Align-GVGD: "Class C0". The glutamine amino acid residue is found in multiple mammalian species, which suggests that this missense change does not adversely affect protein function. In summary, the available evidence is currently insufficient to determine the role of this variant in disease. Therefore, it has been classified as a Variant of Uncertain Significance.